The following is an entry in ClinVar:

NM_201384.3(PLEC):c.1493C>G (p.Ala498Gly)

Gene: PLEC (plectin; minus strand). Cytogenetic location: 8q24.3.
Variant type: single nucleotide variant.
Coding change: c.1493C>G on transcript NM_201384.3 (MANE Select); coding-DNA position 1493, C replaced by G.
Protein change: p.Ala498Gly; replaces alanine 498 with glycine.
Molecular consequence: missense variant.
Genome position (GRCh38, 1-based): chr8:143,933,037, G>C on the plus strand (C>G on the coding strand, the complement: PLEC is on the minus strand). VCF-style: chr8-143933037-G-C. GRCh37 (hg19) VCF-style: chr8-145007205-G-C.
Other names: c.1574C>G, p.Ala525Gly (NM_000445.5, NM_001410941.1); c.1451C>G, p.Ala484Gly (NM_201378.4); c.1427C>G, p.Ala476Gly (NM_201379.3); c.1904C>G, p.Ala635Gly (NM_201380.4); c.1397C>G, p.Ala466Gly (NM_201381.3); c.1493C>G, p.Ala498Gly (NM_201382.4); c.1505C>G, p.Ala502Gly (NM_201383.3); short protein forms A484G, A498G, A466G, A476G, A502G, A525G, A635G.
Identifiers: ClinVar variation 2258246 (VCV002258246.5), dbSNP rs1554718686, ClinGen allele CA372581347.
Genomic context (GRCh38, chr8:143,933,037, plus strand): 5'-TCCAGCTCGGGGCGCCTCTGCACACTCTGCAGAGTCACCTGGGCCACCTGGGTTGCAGGG[G>C]CCGCCACGCCTGCCTTCAGCCGTAGGTTGTACTCGGTGCGGATGGCTACCAGGCGCTCGT-3'
Protein context (NP_958786.1, residues 488-508): YNLRLKAGVA[Ala498Gly]PATQVAQVTL

ClinVar aggregate classification (germline): Uncertain significance. Review status: criteria provided, multiple submitters, no conflicts (2 of 4 stars). 2 submissions from 2 submitters: Uncertain significance (2). Last evaluated 2022-11-20.

Conditions:
Epidermolysis bullosa simplex 5B, with muscular dystrophy (EBS5B). Also called: Epidermolysis bullosa simplex with muscular dystrophy; EPIDERMOLYSIS BULLOSA SIMPLEX AND LIMB-GIRDLE MUSCULAR DYSTROPHY. Identifiers: Orphanet 257, MedGen C2931072, MONDO:0009181, OMIM 226670.
Epidermolysis bullosa simplex, Ogna type (EBS5A). Also called: EPIDERMOLYSIS BULLOSA SIMPLEX 5A, OGNA TYPE; Pidermolysis bullosa simplex 5A, Ogna type. Identifiers: Orphanet 79401, MedGen C0432317, MONDO:0007555, OMIM 131950.
Epidermolysis bullosa simplex 5C, with pyloric atresia (EBS5C). Also called: PLEC-Related Epidermolysis Bullosa with Pyloric Atresia; Epidermolysis bullosa simplex with pyloric atresia; PLEC1-Related Epidermolysis Bullosa with Pyloric Atresia. Identifiers: Orphanet 158684, MedGen C2677349, MONDO:0012807, OMIM 612138.
Autosomal recessive limb-girdle muscular dystrophy type 2Q (LGMDR17). Also called: MUSCULAR DYSTROPHY, LIMB-GIRDLE, AUTOSOMAL RECESSIVE 17. Identifiers: Orphanet 254361, MedGen C3150989, MONDO:0013390, OMIM 613723.
Epidermolysis bullosa simplex with nail dystrophy (EBS5D). Identifiers: MedGen C4225309, MONDO:0014661, OMIM 616487.
Inborn genetic diseases. Identifiers: MedGen C0950123, MeSH D030342.

Submissions (2):

Labcorp Genetics (formerly Invitae), Labcorp
Classification: Uncertain significance for Autosomal recessive limb-girdle muscular dystrophy type 2Q; Epidermolysis bullosa simplex, Ogna type; Epidermolysis bullosa simplex with nail dystrophy; Epidermolysis bullosa simplex 5C, with pyloric atresia; Epidermolysis bullosa simplex 5B, with muscular dystrophy. Last evaluated: 2022-11-20. Review status: criteria provided, single submitter. Criteria: Invitae Variant Classification Sherloc (09022015). Collection method: clinical testing. Allele origin: germline.
Comment: In summary, the available evidence is currently insufficient to determine the role of this variant in disease. Therefore, it has been classified as a Variant of Uncertain Significance. Algorithms developed to predict the effect of missense changes on protein structure and function are either unavailable or do not agree on the potential impact of this missense change (SIFT: "Tolerated"; PolyPhen-2: "Not Available"; Align-GVGD: "Class C0"). This variant has not been reported in the literature in individuals affected with PLEC-related conditions. This variant is not present in population databases (gnomAD no frequency). This sequence change replaces alanine, which is neutral and non-polar, with glycine, which is neutral and non-polar, at codon 525 of the PLEC protein (p.Ala525Gly).

Ambry Genetics
Classification: Uncertain significance for Inborn genetic diseases. Last evaluated: 2021-10-29. Review status: criteria provided, single submitter. Criteria: Ambry Variant Classification Scheme 2023. Collection method: clinical testing. Allele origin: germline.